The following is an entry in ClinVar:

ClinVar aggregate classification (germline): Uncertain significance. Review status: criteria provided, multiple submitters, no conflicts (2 of 4 stars). 2 submissions from 2 submitters: Uncertain significance (2). Last evaluated 2021-12-02.

Conditions:
Mitochondrial DNA depletion syndrome 12B (cardiomyopathic type), autosomal recessive. Also called: Mitochondrial DNA depletion syndrome 12B (cardiomyopathic type) AR. Identifiers: Orphanet 1369, MedGen C3809443, MONDO:0014175, OMIM 615418.

Submissions (2):

Labcorp Genetics (formerly Invitae), Labcorp
Classification: Uncertain significance. Last evaluated: 2021-12-02. Review status: criteria provided, single submitter. Criteria: Invitae Variant Classification Sherloc (09022015). Collection method: clinical testing. Allele origin: germline.
Comment: In summary, the available evidence is currently insufficient to determine the role of this variant in disease. Therefore, it has been classified as a Variant of Uncertain Significance. Algorithms developed to predict the effect of missense changes on protein structure and function are either unavailable or do not agree on the potential impact of this missense change (SIFT: "Deleterious"; PolyPhen-2: "Probably Damaging"; Align-GVGD: "Class C15"). ClinVar contains an entry for this variant (Variation ID: 562200). This variant has not been reported in the literature in individuals affected with SLC25A4-related conditions. This variant is not present in population databases (gnomAD no frequency). This sequence change replaces glycine, which is neutral and non-polar, with valine, which is neutral and non-polar, at codon 172 of the SLC25A4 protein (p.Gly172Val).

Mayo Clinic Laboratories, Mayo Clinic
Classification: Uncertain significance for Mitochondrial DNA depletion syndrome 12B (cardiomyopathic type), autosomal recessive. Last evaluated: 2018-06-01. Review status: criteria provided, single submitter. Criteria: ACMG Guidelines, 2015. Collection method: clinical testing. Allele origin: biparental.

NM_001151.4(SLC25A4):c.515G>T (p.Gly172Val)

Gene: SLC25A4 (solute carrier family 25 member 4; plus strand). Cytogenetic location: 4q35.1.
Variant type: single nucleotide variant.
Coding change: c.515G>T on transcript NM_001151.4 (MANE Select); coding-DNA position 515, G replaced by T.
Protein change: p.Gly172Val; replaces glycine 172 with valine.
Molecular consequence: missense variant.
Genome position (GRCh38, 1-based): chr4:185,145,167, G>T. VCF-style: chr4-185145167-G-T. GRCh37 (hg19) VCF-style: chr4-186066321-G-T.
Other names: short protein forms G172V.
Identifiers: ClinVar variation 562200 (VCV000562200.12), dbSNP rs1560841935, ClinGen allele CA358896791.